The following is an entry in ClinVar:

NM_015978.3(TNNI3K):c.2018C>A (p.Ala673Glu)

Genes: FPGT-TNNI3K (FPGT-TNNI3K readthrough; plus strand), TNNI3K (TNNI3 interacting kinase; plus strand). Cytogenetic location: 1p31.1.
Variant type: single nucleotide variant.
Coding change: c.2018C>A on transcript NM_015978.3 (MANE Select); coding-DNA position 2018, C replaced by A.
Protein change: p.Ala673Glu; replaces alanine 673 with glutamic acid.
Molecular consequence: missense variant.
Genome position (GRCh38, 1-based): chr1:74,463,447, C>A. VCF-style: chr1-74463447-C-A. GRCh37 (hg19) VCF-style: chr1-74929131-C-A.
Other names: c.2321C>A, p.Ala774Glu (NM_001112808.3, NM_001199327.2); short protein forms A673E, A774E.
Identifiers: ClinVar variation 1587636 (VCV001587636.11), dbSNP rs140963906, ClinGen allele CA909567.

ClinVar aggregate classification (germline): Conflicting classifications of pathogenicity. Review status: criteria provided, conflicting classifications (1 of 4 stars). 3 submissions from 3 submitters: Uncertain significance (1); Likely benign (1). 1 of the submissions does not count toward it. Last evaluated 2026-01-11.

Conditions:
TNNI3K-related disorder. Also called: TNNI3K-related condition.

Allele frequency attached by ClinVar (database versions not stated): ESP Exome Variant Server 0.00023; 1000 Genomes Project 0.00060; 1000 Genomes Project 30x 0.00062.
gnomAD v4.1: 125 of 1,614,010 alleles (0.0077%); highest among the groups gnomAD compares: African/African-American, 0.13%; 1 homozygote.

Submissions (3):

Labcorp Genetics (formerly Invitae), Labcorp
Classification: Likely benign. Last evaluated: 2026-01-11. Review status: criteria provided, single submitter. Criteria: Invitae Variant Classification Sherloc (09022015). Collection method: clinical testing. Allele origin: germline.

GeneDx
Classification: Uncertain significance. Last evaluated: 2024-09-03. Review status: criteria provided, single submitter. Criteria: GeneDx Variant Classification Process June 2021. Collection method: clinical testing. Allele origin: germline. Affected: yes.
Comment: Has not been previously published as pathogenic or benign to our knowledge; In silico analysis supports that this missense variant has a deleterious effect on protein structure/function

PreventionGenetics, part of Exact Sciences
Classification: Likely benign for TNNI3K-related condition. Last evaluated: 2022-04-18. Review status: no assertion criteria provided. Collection method: clinical testing. Allele origin: germline. Not counted in ClinVar's aggregate classification.
Comment: This variant is classified as likely benign based on ACMG/AMP sequence variant interpretation guidelines (Richards et al. 2015 PMID: 25741868, with internal and published modifications).